The following is an entry in ClinVar:

NM_000552.5(VWF):c.8113G>A (p.Gly2705Arg)

Gene: VWF (von Willebrand factor; minus strand). Cytogenetic location: 12p13.31.
Variant type: single nucleotide variant.
Coding change: c.8113G>A on transcript NM_000552.5 (MANE Select); coding-DNA position 8113, G replaced by A.
Protein change: p.Gly2705Arg; replaces glycine 2705 with arginine.
Molecular consequence: missense variant.
Genome position (GRCh38, 1-based): chr12:5,952,393, C>T on the plus strand (G>A on the coding strand, the complement: VWF is on the minus strand). VCF-style: chr12-5952393-C-T. GRCh37 (hg19) VCF-style: chr12-6061559-C-T.
Other names: NM_000552.5(VWF):c.8113G>A; c.8113G>A (NM_000552.4); short protein forms G2705R.
Identifiers: ClinVar variation 256702 (VCV000256702.14), dbSNP rs7962217, ClinGen allele CA6401404.

ClinVar aggregate classification (germline): Benign. Review status: reviewed by expert panel (3 of 4 stars). 10 submissions from 8 submitters: Benign (1). 9 of the submissions do not count toward it. Last evaluated 2024-08-13.

Conditions:
Hereditary von Willebrand disease. Identifiers: Orphanet 903, MedGen C5703318, MONDO:0019565. Inheritance: Autosomal recessive or Autosomal dominant.
von Willebrand disease type 2 (VWD2). Also called: VWD, TYPE 2; VON WILLEBRAND DISEASE, TYPE 2A/IIE; VON WILLEBRAND DISEASE, TYPE 2CB; VON WILLEBRAND DISEASE, TYPE II. Identifiers: Orphanet 166081, Orphanet 903, MedGen C1264040, MONDO:0013304, OMIM 613554.
von Willebrand disease type 1 (VWD1). Also called: VWD, TYPE 1; VON WILLEBRAND DISEASE, TYPE I. Identifiers: Orphanet 166078, Orphanet 903, MedGen C1264039, MONDO:0008668, OMIM 193400. Inheritance: autosomal recessive or autosomal dominant.
von Willebrand disease type 3 (VWD3). Also called: Type 3 Von Willebrand's disease; Type 3 VWD; Von Willebrand disease, severe form; V WD3; VON WILLEBRAND DISEASE, TYPE III. Identifiers: Orphanet 166096, MedGen C1264041, MONDO:0010191, OMIM 277480.

Allele frequency attached by ClinVar (database versions not stated): gnomAD 0.04445 and 0.04240; gnomAD exomes 0.05914 and 0.05925; TOPMed 0.04140; ESP Exome Variant Server 0.04490; 1000 Genomes Project 0.04473; 1000 Genomes Project 30x 0.04528; ExAC 0.05934.
gnomAD v4.1: 93,169 of 1,613,754 alleles (5.8%); highest among the groups gnomAD compares: South Asian, 12%; 3,226 homozygotes.

Submissions (10):

ClinGen von Willebrand Disease Variant Curation Expert Panel, ClinGen
Classification: Benign for Hereditary von Willebrand disease. Last evaluated: 2024-08-13. Review status: reviewed by expert panel. Criteria: ClinGen VWD 2A B M Rules. Collection method: curation. Allele origin: germline.
Comment: The NM_000552.4(VWF):c.8113G>A (p.Gly2705Arg) variant in VWF is a missense variant predicted to cause substitution of Glycine by Arginine at amino acid 2705. The Grpmax filtering allele frequency in gnomAD v4.1 is 0.1227 (based on 11352/91062 alleles in the South Asian population, including 829 homozygotes), which is higher than the ClinGen VWD VCEP threshold of >0.1 for BA1. As reported in PMID: 26105150 the variant is significantly associated with lower plasma levels of FVIII but not vWF. In summary this variant is classified as Benign for VWD based on the ACMG/AMP criteria applied, as specified by the ClinGen VWD VCEP: BA1

Women's Health and Genetics/Laboratory Corporation of America, LabCorp
Classification: Likely benign. Last evaluated: 2026-05-12. Review status: criteria provided, single submitter. Criteria: LabCorp Variant Classification Summary - May 2015. Collection method: clinical testing. Allele origin: germline. Not counted in ClinVar's aggregate classification.

Mayo Clinic Laboratories, Mayo Clinic
Classification: Benign. Last evaluated: 2025-03-05. Review status: criteria provided, single submitter. Criteria: ACMG Guidelines, 2015. Collection method: clinical testing. Allele origin: germline. Observed: 83 variant alleles. Not counted in ClinVar's aggregate classification.

Genome-Nilou Lab
Classification: Benign for von Willebrand disease type 1. Last evaluated: 2021-12-05. Review status: criteria provided, single submitter. Criteria: ACMG Guidelines, 2015. Collection method: clinical testing. Allele origin: germline. Affected: no. Not counted in ClinVar's aggregate classification.

Genome-Nilou Lab
Classification: Benign for von Willebrand disease type 3. Last evaluated: 2021-12-05. Review status: criteria provided, single submitter. Criteria: ACMG Guidelines, 2015. Collection method: clinical testing. Allele origin: germline. Affected: no. Not counted in ClinVar's aggregate classification.

Genome-Nilou Lab
Classification: Benign for von Willebrand disease type 2. Last evaluated: 2021-12-05. Review status: criteria provided, single submitter. Criteria: ACMG Guidelines, 2015. Collection method: clinical testing. Allele origin: germline. Affected: no. Not counted in ClinVar's aggregate classification.

Breakthrough Genomics
Classification: Likely benign. Review status: criteria provided, single submitter. Criteria: ACMG Guidelines, 2015. Collection method: not provided. Allele origin: germline. Inheritance: Autosomal recessive inheritance. Affected: yes. Not counted in ClinVar's aggregate classification.

PreventionGenetics, part of Exact Sciences
Classification: Benign. Review status: criteria provided, single submitter. Criteria: ACMG Guidelines, 2015. Collection method: clinical testing. Allele origin: germline. Not counted in ClinVar's aggregate classification.

Genome Diagnostics Laboratory, University Medical Center Utrecht
Classification: Benign. Review status: no assertion criteria provided. Collection method: clinical testing. Allele origin: germline. Affected: yes. Study: VKGL Data-share Consensus. Not counted in ClinVar's aggregate classification.

Joint Genome Diagnostic Labs from Nijmegen and Maastricht, Radboudumc and MUMC+
Classification: Benign. Review status: no assertion criteria provided. Collection method: clinical testing. Allele origin: germline. Affected: yes. Study: VKGL Data-share Consensus. Not counted in ClinVar's aggregate classification.

Literature cited by the submitters: PubMed 18691167 (cited by Mayo Clinic Laboratories, Mayo Clinic); PubMed 21289515 (cited by Mayo Clinic Laboratories, Mayo Clinic); PubMed 21534937 (cited by Mayo Clinic Laboratories, Mayo Clinic); PubMed 25779970 (cited by Mayo Clinic Laboratories, Mayo Clinic); PubMed 26105150 (cited by Mayo Clinic Laboratories, Mayo Clinic); PubMed 35552711 (cited by Mayo Clinic Laboratories, Mayo Clinic); PubMed 36410652 (cited by Mayo Clinic Laboratories, Mayo Clinic).